The following is an entry in ClinVar:

NM_000348.4(SRD5A2):c.383A>G (p.Tyr128Cys)

Gene: SRD5A2 (steroid 5 alpha-reductase 2; minus strand). Cytogenetic location: 2p23.1.
Variant type: single nucleotide variant.
Coding change: c.383A>G on transcript NM_000348.4 (MANE Select); coding-DNA position 383, A replaced by G.
Protein change: p.Tyr128Cys; replaces tyrosine 128 with cysteine.
Molecular consequence: missense variant.
Genome position (GRCh38, 1-based): chr2:31,533,665, T>C on the plus strand (A>G on the coding strand, the complement: SRD5A2 is on the minus strand). VCF-style: chr2-31533665-T-C. GRCh37 (hg19) VCF-style: chr2-31758735-T-C.
Other names: short protein forms Y128C.
Identifiers: ClinVar variation 2674675 (VCV002674675.4), dbSNP rs762483550, ClinGen allele CA1599951.

ClinVar aggregate classification (germline): Pathogenic. Review status: criteria provided, multiple submitters, no conflicts (2 of 4 stars). 2 submissions from 2 submitters: Pathogenic (2). Last evaluated 2024-09-10.

Conditions:
3-Oxo-5 alpha-steroid delta 4-dehydrogenase deficiency (PPSH). Also called: 46,XY disorder of sex development due to 5-alpha-reductase 2 deficiency; PSEUDOVAGINAL PERINEOSCROTAL HYPOSPADIAS; FAMILIAL INCOMPLETE MALE PSEUDOHERMAPHRODITISM, TYPE 2; MALE PSEUDOHERMAPHRODITISM DUE TO 5-ALPHA-REDUCTASE DEFICIENCY. Identifiers: Orphanet 753, MedGen C0268297, MONDO:0009923, OMIM 264600. Disease mechanism: loss of function.

gnomAD v4.1: 23 of 1,565,286 alleles (0.0015%); highest among the groups gnomAD compares: South Asian, 0.025%; no homozygotes.

Submissions (2):

Labcorp Genetics (formerly Invitae), Labcorp
Classification: Pathogenic for 3-Oxo-5 alpha-steroid delta 4-dehydrogenase deficiency. Last evaluated: 2024-09-10. Review status: criteria provided, single submitter. Criteria: Invitae Variant Classification Sherloc (09022015). Collection method: clinical testing. Allele origin: germline.
Comment: This sequence change replaces tyrosine, which is neutral and polar, with cysteine, which is neutral and slightly polar, at codon 128 of the SRD5A2 protein (p.Tyr128Cys). This variant is present in population databases (rs762483550, gnomAD 0.02%). This missense change has been observed in individual(s) with steroid-5 alpha-reductase deficiency (PMID: 32894851). Invitae Evidence Modeling of protein sequence and biophysical properties (such as structural, functional, and spatial information, amino acid conservation, physicochemical variation, residue mobility, and thermodynamic stability) indicates that this missense variant is not expected to disrupt SRD5A2 protein function with a negative predictive value of 80%. For these reasons, this variant has been classified as Pathogenic.

Clinical Biochemistry Laboratory, Health Services Laboratory
Classification: Pathogenic for 3-Oxo-5 alpha-steroid delta 4-dehydrogenase deficiency. Last evaluated: 2023-11-20. Review status: criteria provided, single submitter. Criteria: ACMG Guidelines, 2015. Collection method: clinical testing. Allele origin: germline. Affected: yes.
Comment: ACMG:PS5 PM2 PM3 PP4 PP5

Literature cited by the submitters: PubMed 32894851 (cited by Labcorp Genetics (formerly Invitae), Labcorp).